The following is an entry in ClinVar:

ClinVar aggregate classification (germline): Uncertain significance (1 of 4 stars; one submission).

Conditions:
Carney complex, type 1 (CNC1). Also called: CARNEY COMPLEX, TYPE I; CARNEY MYXOMA-ENDOCRINE COMPLEX. Identifiers: Orphanet 1359, MedGen C2607929, MONDO:0008057, OMIM 160980.

Submission:

Labcorp Genetics (formerly Invitae), Labcorp
Classification: Uncertain significance for Carney complex, type 1. Last evaluated: 2022-05-30. Review status: criteria provided, single submitter. Criteria: Invitae Variant Classification Sherloc (09022015). Collection method: clinical testing. Allele origin: germline.
Comment: This sequence change replaces proline, which is neutral and non-polar, with histidine, which is basic and polar, at codon 334 of the PRKAR1A protein (p.Pro334His). This variant is not present in population databases (gnomAD no frequency). This variant has not been reported in the literature in individuals affected with PRKAR1A-related conditions. Algorithms developed to predict the effect of missense changes on protein structure and function are either unavailable or do not agree on the potential impact of this missense change (SIFT: "Deleterious"; PolyPhen-2: "Probably Damaging"; Align-GVGD: "Class C0"). In summary, the available evidence is currently insufficient to determine the role of this variant in disease. Therefore, it has been classified as a Variant of Uncertain Significance.

NM_002734.5(PRKAR1A):c.1001C>A (p.Pro334His)

Gene: PRKAR1A (protein kinase cAMP-dependent type I regulatory subunit alpha; plus strand). Cytogenetic location: 17q24.2.
Variant type: single nucleotide variant.
Coding change: c.1001C>A on transcript NM_002734.5 (MANE Select); coding-DNA position 1001, C replaced by A.
Protein change: p.Pro334His; replaces proline 334 with histidine.
Molecular consequence: missense variant. On other transcripts: intron variant (1).
Genome position (GRCh38, 1-based): chr17:68,530,304, C>A. VCF-style: chr17-68530304-C-A. GRCh37 (hg19) VCF-style: chr17-66526445-C-A.
Other names: c.1001C>A, p.Pro334His (NM_001276289.2, NM_001278433.2, NM_001369389.1 and 3 more transcripts); c.973+303C>A (NM_001276290.1); short protein forms P334H.
Identifiers: ClinVar variation 2001000 (VCV002001000.4), dbSNP rs2143389774, ClinGen allele CA400754486.